The following is an entry in ClinVar:

NM_001036.6(RYR3):c.10349G>A (p.Arg3450His)

Gene: RYR3 (ryanodine receptor 3; plus strand). Cytogenetic location: 15q14.
Variant type: single nucleotide variant.
Coding change: c.10349G>A on transcript NM_001036.6 (MANE Select); coding-DNA position 10349, G replaced by A.
Protein change: p.Arg3450His; replaces arginine 3450 with histidine.
Molecular consequence: missense variant.
Genome position (GRCh38, 1-based): chr15:33,812,954, G>A. VCF-style: chr15-33812954-G-A. GRCh37 (hg19) VCF-style: chr15-34105155-G-A.
Other names: c.10334G>A, p.Arg3445His (NM_001243996.4); c.10349G>A (NM_001036.3); short protein forms R3450H, R3445H.
Identifiers: ClinVar variation 841588 (VCV000841588.11), dbSNP rs778606179, ClinGen allele CA7460811.

ClinVar aggregate classification (germline): Uncertain significance. Review status: criteria provided, multiple submitters, no conflicts (2 of 4 stars). 2 submissions from 2 submitters: Uncertain significance (2). Last evaluated 2025-02-18.

Conditions:
Epileptic encephalopathy. Identifiers: MedGen C0543888, HP:0200134.

Allele frequency attached by ClinVar (database versions not stated): gnomAD exomes 0.00001 and 0.00002; ExAC 0.00003.
gnomAD v4.1: 20 of 1,613,880 alleles (0.0012%); highest among the groups gnomAD compares: East Asian, 0.0067%; no homozygotes.

Submissions (2):

Ambry Genetics
Classification: Uncertain significance. Last evaluated: 2025-02-18. Review status: criteria provided, single submitter. Criteria: Ambry Variant Classification Scheme 2023. Collection method: clinical testing. Allele origin: germline.

Labcorp Genetics (formerly Invitae), Labcorp
Classification: Uncertain significance for Epileptic encephalopathy. Last evaluated: 2021-03-05. Review status: criteria provided, single submitter. Criteria: Invitae Variant Classification Sherloc (09022015). Collection method: clinical testing. Allele origin: germline.
Comment: This variant is present in population databases (rs778606179, ExAC 0.006%). This sequence change replaces arginine with histidine at codon 3450 of the RYR3 protein (p.Arg3450His). The arginine residue is highly conserved and there is a small physicochemical difference between arginine and histidine. This variant has not been reported in the literature in individuals with RYR3-related conditions. Algorithms developed to predict the effect of missense changes on protein structure and function are either unavailable or do not agree on the potential impact of this missense change (SIFT: "Deleterious"; PolyPhen-2: "Probably Damaging"; Align-GVGD: "Class C0"). In summary, the available evidence is currently insufficient to determine the role of this variant in disease. Therefore, it has been classified as a Variant of Uncertain Significance.